The following is an entry in ClinVar:

NM_001378120.1(MBD5):c.2350A>G (p.Ile784Val)

Gene: MBD5 (methyl-CpG binding domain protein 5; plus strand). Cytogenetic location: 2q23.1.
Variant type: single nucleotide variant.
Coding change: c.2350A>G on transcript NM_001378120.1 (MANE Select); coding-DNA position 2350, A replaced by G.
Protein change: p.Ile784Val; replaces isoleucine 784 with valine.
Molecular consequence: missense variant.
Genome position (GRCh38, 1-based): chr2:148,470,293, A>G. VCF-style: chr2-148470293-A-G. GRCh37 (hg19) VCF-style: chr2-149227862-A-G.
Other names: c.2350A>G, p.Ile784Val (NM_018328.5); short protein forms I784V.
Identifiers: ClinVar variation 1717668 (VCV001717668.6), dbSNP rs1195651550, ClinGen allele CA348721668.

ClinVar aggregate classification (germline): Uncertain significance (1 of 4 stars; one submission).

Conditions:
Intellectual developmental disorder, autosomal dominant 1. Also called: Intellectual disability, autosomal dominant 1; MBD5 Haploinsufficiency. Identifiers: Orphanet 228402, MedGen C1969562, MONDO:0007974, OMIM 156200.

Allele frequency attached by ClinVar (database versions not stated): TOPMed below 0.00001; gnomAD 0.00001.
gnomAD v4.1: 1 of 1,613,858 alleles (0.000062%); highest among the groups gnomAD compares: African/African-American, 0.0013%; no homozygotes.

Submission:

Labcorp Genetics (formerly Invitae), Labcorp
Classification: Uncertain significance for Intellectual developmental disorder, autosomal dominant 1. Last evaluated: 2022-08-22. Review status: criteria provided, single submitter. Criteria: Invitae Variant Classification Sherloc (09022015). Collection method: clinical testing. Allele origin: germline.
Comment: In summary, the available evidence is currently insufficient to determine the role of this variant in disease. Therefore, it has been classified as a Variant of Uncertain Significance. Algorithms developed to predict the effect of missense changes on protein structure and function output the following: SIFT: "Deleterious"; PolyPhen-2: "Benign"; Align-GVGD: "Class C25". The valine amino acid residue is found in multiple mammalian species, which suggests that this missense change does not adversely affect protein function. This variant has not been reported in the literature in individuals affected with MBD5-related conditions. This variant is present in population databases (no rsID available, gnomAD 0.01%). This sequence change replaces isoleucine, which is neutral and non-polar, with valine, which is neutral and non-polar, at codon 784 of the MBD5 protein (p.Ile784Val).